The following is an entry in ClinVar:

NM_001110556.2(FLNA):c.5861-4C>G

Gene: FLNA (filamin A; minus strand). Cytogenetic location: Xq28.
Variant type: single nucleotide variant.
Coding change: c.5861-4C>G on transcript NM_001110556.2 (MANE Select); 4 bases into the intron before coding-DNA position 5861, C replaced by G.
Molecular consequence: intron variant.
Genome position (GRCh38, 1-based): chrX:154,353,461, G>C on the plus strand (C>G on the coding strand, the complement: FLNA is on the minus strand). VCF-style: chrX-154353461-G-C. GRCh37 (hg19) VCF-style: chrX-153581829-G-C.
Other names: c.5837-4C>G (NM_001456.4).
Identifiers: ClinVar variation 2665067 (VCV002665067.1), dbSNP rs2522724299, ClinGen allele CA2695197150.
Genomic context (GRCh38, chrX:154,353,461, plus strand): 5'-TGGGGATGTCGGCAGCAGAGCCGACCTTTAGGTGGGACATACGCATGGAGTCGTCACCTG[G>C]TGGGGACAGGCCAGCCATCAGTGTGCGTCCAGCCATGGGAGACCATGCCCACCCTGCCAC-3'

ClinVar aggregate classification (germline): Uncertain significance (1 of 4 stars; one submission).

Conditions:
Cardiac valvular dysplasia, X-linked (CVDPX). Also called: FLNA-Related X-linked Cardiac Valvular Dysplasia; MYXOMATOUS VALVULAR DYSTROPHY, X-LINKED; VALVULAR HEART DISEASE, CONGENITAL; Congenital valvular dysplasia; Isolated X-Linked Cardiac Valvular Dysplasia. Identifiers: Orphanet 1864, Orphanet 555877, Orphanet 75497, MedGen C0262436, MONDO:0010753, OMIM 314400.

Submission:

New York Genome Center
Classification: Uncertain significance for Cardiac valvular dysplasia, X-linked. Last evaluated: 2023-07-25. Review status: criteria provided, single submitter. Criteria: NYGC Assertion Criteria 2020. Collection method: clinical testing. Allele origin: germline. Observed: 1 heterozygote.
Comment: The c.5861-4C>G variant identified in the FLNA gene is located in intron 36/47. This variant is absent from population databases (gnomADv2.1.1, gnomADv3.1.2, TOPMed Freeze 8, All of Us), suggesting it is not a common benign variant in the populations represented in those databases. This variant is absent from Clinvar and to our current knowledge has not been reported in affected individuals in the literature. In silico predictions are indicative of damaging effect for FLNA c.5861-4C>G [SpliceAI: 0.9903 acceptor gain]. However, functional studies are not available to confirm or refute these predictions. Based on available evidence the c.5861-4C>G variant identified in FLNA gene is classified as a Variant of Uncertain Significance.